The following is an entry in ClinVar:

NM_000350.3(ABCA4):c.6498C>T (p.Ile2166=)

Gene: ABCA4 (ATP binding cassette subfamily A member 4; minus strand). Cytogenetic location: 1p22.1.
Variant type: single nucleotide variant.
Coding change: c.6498C>T on transcript NM_000350.3 (MANE Select); coding-DNA position 6498, C replaced by T.
Protein change: p.Ile2166=; no amino-acid change (isoleucine 2166 retained).
Molecular consequence: synonymous variant.
Genome position (GRCh38, 1-based): chr1:93,998,092, G>A on the plus strand (C>T on the coding strand, the complement: ABCA4 is on the minus strand). VCF-style: chr1-93998092-G-A. GRCh37 (hg19) VCF-style: chr1-94463648-G-A.
Other names: NM_000350.3(ABCA4):c.6498C>T; p.Ile2166=; c.6276C>T, p.Ile2092= (NM_001425324.1).
Identifiers: ClinVar variation 377410 (VCV000377410.45), dbSNP rs61751379, ClinGen allele CA956853.

ClinVar aggregate classification (germline): Likely benign. Review status: reviewed by expert panel (3 of 4 stars). 9 submissions from 9 submitters: Likely benign (1). 8 of the submissions do not count toward it. Last evaluated 2025-10-28.

Conditions:
ABCA4-related retinopathy. Also called: ABCA4-related retinoapthy; ABCA4 retinoapthy. Identifiers: MedGen CN322612, MONDO:0800406.
ABCA4-related disorder. Also called: ABCA4-related condition; ABCA4-related disorders. Identifiers: MedGen CN239167.

Allele frequency attached by ClinVar (database versions not stated): 1000 Genomes Project 30x 0.00031; TOPMed 0.00111; ESP Exome Variant Server 0.00115.
gnomAD v4.1: 1,882 of 1,614,158 alleles (0.12%); highest among the groups gnomAD compares: Middle Eastern, 0.36%; 3 homozygotes.

Submissions (9):

ClinGen ABCA4 Variant Curation Expert Panel, Clingen
Classification: Likely benign for ABCA4-related retinopathy. Last evaluated: 2025-10-28. Review status: reviewed by expert panel. Criteria: ClinGen ABCA4 ACMG Specifications V1.0.0. Collection method: curation. Allele origin: germline. Inheritance: Autosomal recessive inheritance.
Comment: The NM_000350.3:c.6498C>T is a synonymous variant (p.Ile2166=). The total minor allele frequency in gnomAD v4.1.0 is 0.001166 (1882/1614158 alleles), and the GroupMax filtering allele frequency is 0.002456. This is higher than the ClinGen ABCA4 VCEP’s threshold for PM2_Supporting (<0.0001), and lower than the threshold for BS1_Supporting (>0.00163). Therefore, no population codes are applied. SpliceAI gives this synonymous variant a delta score of 0.01 for acceptor gain which is below the ClinGen ABCA4 VCEP threshold of <0.1 and does not strongly predict a splicing defect. To our knowledge, there is no known conflicting minigene or other functional data available (BP7_Moderate). In summary, this variant meets the criteria to be classified as likely benign for ABCA4-related retinopathy based on the ACMG/AMP criteria applied, as specified by the ClinGen ABCA4 VCEP (Specification Version 1.0.0): BP7_Moderate.

Labcorp Genetics (formerly Invitae), Labcorp
Classification: Likely benign. Last evaluated: 2026-02-01. Review status: criteria provided, single submitter. Criteria: Invitae Variant Classification Sherloc (09022015). Collection method: clinical testing. Allele origin: germline. Not counted in ClinVar's aggregate classification.

Blueprint Genetics
Classification: Likely benign. Last evaluated: 2024-11-25. Review status: criteria provided, single submitter. Criteria: ACMG Guidelines, 2015. Collection method: clinical testing. Allele origin: germline. Not counted in ClinVar's aggregate classification.

CeGaT Center for Human Genetics Tuebingen
Classification: Likely benign. Last evaluated: 2023-03-01. Review status: criteria provided, single submitter. Criteria: CeGaT Center For Human Genetics Tuebingen Variant Classification Criteria Version 2. Collection method: clinical testing. Allele origin: germline. Affected: yes. Observed: 1 variant allele. Not counted in ClinVar's aggregate classification.
Comment: ABCA4: BP4, BP7

Illumina Laboratory Services, Illumina
Classification: Uncertain significance for ABCA4-Related Disorders. Last evaluated: 2017-04-27. Review status: criteria provided, single submitter. Criteria: ICSL Variant Classification Criteria 13 December 2019. Collection method: clinical testing. Allele origin: germline. Not counted in ClinVar's aggregate classification.

GeneDx
Classification: Likely benign. Last evaluated: 2016-10-03. Review status: criteria provided, single submitter. Criteria: GeneDx Variant Classification (06012015). Collection method: clinical testing. Allele origin: germline. Affected: yes. Not counted in ClinVar's aggregate classification.
Comment: This variant is considered likely benign or benign based on one or more of the following criteria: it is a conservative change, it occurs at a poorly conserved position in the protein, it is predicted to be benign by multiple in silico algorithms, and/or has population frequency not consistent with disease.

PreventionGenetics, part of Exact Sciences
Classification: Likely benign for ABCA4-related condition. Last evaluated: 2019-07-24. Review status: no assertion criteria provided. Collection method: clinical testing. Allele origin: germline. Not counted in ClinVar's aggregate classification.
Comment: This variant is classified as likely benign based on ACMG/AMP sequence variant interpretation guidelines (Richards et al. 2015 PMID: 25741868, with internal and published modifications).

Clinical Genetics DNA and cytogenetics Diagnostics Lab, Erasmus MC, Erasmus Medical Center
Classification: Likely benign. Review status: no assertion criteria provided. Collection method: clinical testing. Allele origin: germline. Affected: yes. Study: VKGL Data-share Consensus. Not counted in ClinVar's aggregate classification.

Clinical Genetics, Academic Medical Center
Classification: Benign. Review status: no assertion criteria provided. Collection method: clinical testing. Allele origin: germline. Affected: yes. Study: VKGL Data-share Consensus. Not counted in ClinVar's aggregate classification.